The following is an entry in ClinVar:

NM_018646.6(TRPV6):c.535C>T (p.Arg179Cys)

Gene: TRPV6 (transient receptor potential cation channel subfamily V member 6; minus strand). Cytogenetic location: 7q34.
Variant type: single nucleotide variant.
Coding change: c.535C>T on transcript NM_018646.6 (MANE Select); coding-DNA position 535, C replaced by T.
Protein change: p.Arg179Cys; replaces arginine 179 with cysteine.
Molecular consequence: missense variant.
Genome position (GRCh38, 1-based): chr7:142,877,214, G>A on the plus strand (C>T on the coding strand, the complement: TRPV6 is on the minus strand). VCF-style: chr7-142877214-G-A. GRCh37 (hg19) VCF-style: chr7-142574967-G-A.
Other names: p.Arg179Cys; short protein forms R179C.
Identifiers: ClinVar variation 2763320 (VCV002763320.4), dbSNP rs141260669, ClinGen allele CA4532832.
Genomic context (GRCh38, chr7:142,877,214, plus strand): 5'-GGTTGCAGGGACTACGGCGGAAGGCAGTGCCTGTGGCTCTGGCAGAGACACTGGCCCTGC[G>A]GGCAAGCAGGGCTCGCACCAGGTTCATGTTCTGGTTCACAACAGCGATGTGCAGTGCAGT-3'
Protein context (NP_061116.5, residues 169-189): NMNLVRALLA[Arg179Cys]RASVSARATG

ClinVar aggregate classification (germline): Likely benign. Review status: criteria provided, multiple submitters, no conflicts (2 of 4 stars). 2 submissions from 2 submitters: Likely benign (2). Last evaluated 2026-01-19.

Allele frequency attached by ClinVar (database versions not stated): gnomAD 0.00064; ESP Exome Variant Server 0.00077; TOPMed 0.00049; ExAC 0.00073; gnomAD exomes 0.00094; 1000 Genomes Project 0.00120; 1000 Genomes Project 30x 0.00156.

Submissions (2):

Labcorp Genetics (formerly Invitae), Labcorp
Classification: Likely benign. Last evaluated: 2026-01-19. Review status: criteria provided, single submitter. Criteria: Invitae Variant Classification Sherloc (09022015). Collection method: clinical testing. Allele origin: germline.

Mayo Clinic Laboratories, Mayo Clinic
Classification: Likely benign. Last evaluated: 2025-07-18. Review status: criteria provided, single submitter. Criteria: ACMG Guidelines, 2015. Collection method: clinical testing. Allele origin: germline. Observed: 1 variant allele.
Comment: BS3, BP4_moderate

Literature cited by the submitters: PubMed 34538581 (cited by Mayo Clinic Laboratories, Mayo Clinic).